The following is an entry in ClinVar:

NM_017547.4(FOXRED1):c.616_617insAGTG (p.Ala206fs)

Gene: FOXRED1 (FAD dependent oxidoreductase domain containing 1; plus strand). Cytogenetic location: 11q24.2.
Variant type: Insertion.
Coding change: c.616_617insAGTG on transcript NM_017547.4 (MANE Select); coding-DNA positions 616 to 617, AGTG inserted.
Protein change: p.Ala206fs; shifts the reading frame from alanine 206.
Molecular consequence: frameshift variant. On other transcripts: non-coding transcript variant (3), intron variant (3).
Genome position: GRCh38 VCF-style: chr11-126275005-G-GGAGT. GRCh37 (hg19) VCF-style: chr11-126144900-G-GGAGT.
Other names: c.646_647insAGTG, p.Ala216fs (NM_001425160.1); c.616_617insAGTG, p.Ala206fs (NM_001425161.1, NM_001425163.1, NM_001425165.1 and 2 more transcripts); c.613_614insAGTG, p.Ala205fs (NM_001425164.1); c.106_107insAGTG, p.Ala36fs (NM_001425168.1, NM_001425169.1, NM_001425170.1); c.55_56insAGTG, p.Ala19fs (NM_001425171.1, NM_001425172.1); c.-2-321_-2-320insAGTG (NM_001425174.1, NM_001425175.1, NM_001425173.1); short protein forms A206fs, A36fs, A205fs, A19fs, A216fs.
Identifiers: ClinVar variation 5008632 (VCV005008632.1).

ClinVar aggregate classification (germline): Likely pathogenic (1 of 4 stars; one submission).

Submission:

GeneDx
Classification: Likely pathogenic. Last evaluated: 2026-03-06. Review status: criteria provided, single submitter. Criteria: GeneDx Variant Classification Process June 2021. Collection method: clinical testing. Allele origin: germline.
Comment: Frameshift variant predicted to result in protein truncation or nonsense mediated decay in a gene for which loss of function is a known mechanism of disease; Not observed at significant frequency in large population cohorts (gnomAD); Has not been previously published as pathogenic or benign to our knowledge